The following is an entry in ClinVar:

NM_032043.3(BRIP1):c.1952T>C (p.Ile651Thr)

Gene: BRIP1 (BRCA1 interacting DNA helicase 1; minus strand). Cytogenetic location: 17q23.2.
Variant type: single nucleotide variant.
Coding change: c.1952T>C on transcript NM_032043.3 (MANE Select); coding-DNA position 1952, T replaced by C.
Protein change: p.Ile651Thr; replaces isoleucine 651 with threonine.
Molecular consequence: missense variant.
Genome position (GRCh38, 1-based): chr17:61,776,546, A>G on the plus strand (T>C on the coding strand, the complement: BRIP1 is on the minus strand). VCF-style: chr17-61776546-A-G. GRCh37 (hg19) VCF-style: chr17-59853907-A-G.
Other names: short protein forms I651T.
Identifiers: ClinVar variation 229862 (VCV000229862.31), dbSNP rs757305097, ClinGen allele CA8690616.

ClinVar aggregate classification (germline): Uncertain significance. Review status: criteria provided, multiple submitters, no conflicts (2 of 4 stars). 6 submissions from 6 submitters: Uncertain significance (6). Last evaluated 2026-01-19.

Conditions:
Fanconi anemia complementation group J. Also called: BRIP1-Related Fanconi Anemia. Identifiers: Orphanet 84, MedGen C1836860, MONDO:0012187, OMIM 609054.
Familial cancer of breast. Also called: Hereditary breast cancer; hereditary breast carcinoma; BREAST CANCER, FAMILIAL. Identifiers: Orphanet 227535, MedGen C0346153, MONDO:0016419, OMIM 114480. Disease mechanism: loss of function.
Hereditary cancer-predisposing syndrome. Also called: Hereditary Cancer Syndrome; Neoplastic Syndromes, Hereditary; Tumor predisposition; Hereditary neoplastic syndrome. Identifiers: Orphanet 140162, MedGen C0027672, MeSH D009386, MONDO:0015356.

Allele frequency attached by ClinVar (database versions not stated): TOPMed below 0.00001; ExAC 0.00001; gnomAD exomes 0.00001.
gnomAD v4.1: 4 of 1,614,166 alleles (0.00025%); highest among the groups gnomAD compares: East Asian, 0.0022%; no homozygotes.

Submissions (6):

Labcorp Genetics (formerly Invitae), Labcorp
Classification: Uncertain significance for Familial cancer of breast; Fanconi anemia complementation group J. Last evaluated: 2026-01-19. Review status: criteria provided, single submitter. Criteria: Invitae Variant Classification Sherloc (09022015). Collection method: clinical testing. Allele origin: germline.
Comment: This sequence change replaces isoleucine, which is neutral and non-polar, with threonine, which is neutral and polar, at codon 651 of the BRIP1 protein (p.Ile651Thr). This variant is present in population databases (rs757305097, gnomAD 0.01%). This variant has not been reported in the literature in individuals affected with BRIP1-related conditions. ClinVar contains an entry for this variant (Variation ID: 229862). Invitae Evidence Modeling of protein sequence and biophysical properties (such as structural, functional, and spatial information, amino acid conservation, physicochemical variation, residue mobility, and thermodynamic stability) has been performed for this missense variant. However, the output from this modeling did not meet the statistical confidence thresholds required to predict the impact of this variant on BRIP1 protein function. In summary, the available evidence is currently insufficient to determine the role of this variant in disease. Therefore, it has been classified as a Variant of Uncertain Significance.

Ambry Genetics
Classification: Uncertain significance for Hereditary cancer-predisposing syndrome. Last evaluated: 2025-06-08. Review status: criteria provided, single submitter. Criteria: Ambry Variant Classification Scheme 2023. Collection method: clinical testing. Allele origin: germline.
Comment: The p.I651T variant (also known as c.1952T>C), located in coding exon 13 of the BRIP1 gene, results from a T to C substitution at nucleotide position 1952. The isoleucine at codon 651 is replaced by threonine, an amino acid with similar properties. This amino acid position is not well conserved in available vertebrate species. In addition, the in silico prediction for this alteration is inconclusive. Since supporting evidence is limited at this time, the clinical significance of this alteration remains unclear.

KCCC/NGS Laboratory, Kuwait Cancer Control Center
Classification: Uncertain significance for Familial cancer of breast. Last evaluated: 2024-12-16. Review status: criteria provided, single submitter. Criteria: ACMG Guidelines, 2015. Collection method: clinical testing. Allele origin: germline. Inheritance: Autosomal dominant inheritance. Affected: yes. Observed: 1 heterozygote.
Comment: This sequence change replaces isoleucine, which is neutral and non-polar, with threonine, which is neutral and polar, at codon 651 of the BRIP1 protein (p.Ile651Thr). This amino acid position is not well conserved. This variant is present in population databases (rs757305097, gnomAD 0.01%). This variant has not been reported in the literature in individuals affected with BRIP1-related conditions. ClinVar contains an entry for this variant (Variation ID: 229862).In addition, the in silico prediction for this alteration is inconclusive.In summary, the available evidence is currently insufficient to determine the role of this variant in disease. Therefore, it has been classified as a Variant of Uncertain Significance.

Baylor Genetics
Classification: Uncertain significance for Familial cancer of breast. Last evaluated: 2023-06-09. Review status: criteria provided, single submitter. Criteria: ACMG Guidelines, 2015. Collection method: clinical testing. Allele origin: unknown.

Color Diagnostics, LLC DBA Color Health
Classification: Uncertain significance for Hereditary cancer-predisposing syndrome. Last evaluated: 2023-03-20. Review status: criteria provided, single submitter. Criteria: ACMG Guidelines, 2015. Collection method: clinical testing. Allele origin: germline.
Comment: This missense variant replaces isoleucine with threonine at codon 651 of the BRIP1 protein. Computational prediction is inconclusive regarding the impact of this variant on protein structure and function (internally defined REVEL score threshold 0.5 < inconclusive < 0.7, PMID: 27666373). To our knowledge, functional studies have not been performed for this variant. This variant has been reported in one control but was absent in ovarian and breast cancer cases (PMID: 29368626). This variant has been identified in 3/251318 chromosomes in the general population by the Genome Aggregation Database (gnomAD). The available evidence is insufficient to determine the role of this variant in disease conclusively. Therefore, this variant is classified as a Variant of Uncertain Significance.

GeneDx
Classification: Uncertain significance. Last evaluated: 2022-11-06. Review status: criteria provided, single submitter. Criteria: GeneDx Variant Classification Process June 2021. Collection method: clinical testing. Allele origin: germline. Affected: yes.
Comment: In silico analysis supports that this missense variant has a deleterious effect on protein structure/function; Reported in an unaffected control individual but absent from breast and ovarian cancer cases (Weber-Lassalle et al., 2018); This variant is associated with the following publications: (PMID: 29368626)

Literature cited by the submitters: PubMed 29368626 (cited by Color Diagnostics, LLC DBA Color Health).